The following is an entry in ClinVar:

NM_001377.3(DYNC2H1):c.7607G>A (p.Arg2536His)

Gene: DYNC2H1 (dynein cytoplasmic 2 heavy chain 1; plus strand). Cytogenetic location: 11q22.3.
Variant type: single nucleotide variant.
Coding change: c.7607G>A on transcript NM_001377.3 (MANE Select); coding-DNA position 7607, G replaced by A.
Protein change: p.Arg2536His; replaces arginine 2536 with histidine.
Molecular consequence: missense variant.
Genome position (GRCh38, 1-based): chr11:103,192,163, G>A. VCF-style: chr11-103192163-G-A. GRCh37 (hg19) VCF-style: chr11-103062892-G-A.
Other names: c.7607G>A, p.Arg2536His (NM_001080463.2); short protein forms R2536H.
Identifiers: ClinVar variation 528898 (VCV000528898.6), dbSNP rs376790555, ClinGen allele CA6254288.
Genomic context (GRCh38, chr11:103,192,163, plus strand): 5'-CAAACCATCCACTAGATTATGTGTTAGAAATTGTAGCATATGAGGCACGGCGCTTATTTC[G>A]TGACAAAATTGTTGGTGCAAAGGAACTTCATTTATTTGACATCATTTTAACATCAGTGTT-3'
Protein context (NP_001368.2, residues 2526-2546): IVAYEARRLF[Arg2536His]DKIVGAKELH

ClinVar aggregate classification (germline): Uncertain significance (1 of 4 stars; one submission).

Conditions:
Jeune thoracic dystrophy. Also called: Jeune syndrome; Infantile thoracic dystrophy; Thoracic pelvic phalangeal dystrophy; Jeune's syndrome; Chondroectodermal dysplasia-like syndrome; Short-rib thoracic dysplasia. Identifiers: Orphanet 474, MedGen C0265275, MONDO:0018770.

Allele frequency attached by ClinVar (database versions not stated): TOPMed below 0.00001; gnomAD 0.00001; gnomAD exomes 0.00001 and 0.00003; ExAC 0.00005; ESP Exome Variant Server 0.00008.
gnomAD v4.1: 21 of 1,575,958 alleles (0.0013%); highest among the groups gnomAD compares: East Asian, 0.0045%; no homozygotes.

Submission:

Labcorp Genetics (formerly Invitae), Labcorp
Classification: Uncertain significance for Jeune thoracic dystrophy. Last evaluated: 2022-09-06. Review status: criteria provided, single submitter. Criteria: Invitae Variant Classification Sherloc (09022015). Collection method: clinical testing. Allele origin: germline.
Comment: This sequence change replaces arginine, which is basic and polar, with histidine, which is basic and polar, at codon 2536 of the DYNC2H1 protein (p.Arg2536His). This variant is present in population databases (rs376790555, gnomAD 0.007%). This variant has not been reported in the literature in individuals affected with DYNC2H1-related conditions. ClinVar contains an entry for this variant (Variation ID: 528898). Algorithms developed to predict the effect of missense changes on protein structure and function are either unavailable or do not agree on the potential impact of this missense change (SIFT: "Deleterious"; PolyPhen-2: "Possibly Damaging"; Align-GVGD: "Class C0"). In summary, the available evidence is currently insufficient to determine the role of this variant in disease. Therefore, it has been classified as a Variant of Uncertain Significance.